The following is an entry in ClinVar:

ClinVar aggregate classification (germline): Uncertain significance. Review status: criteria provided, multiple submitters, no conflicts (2 of 4 stars). 3 submissions from 3 submitters: Uncertain significance (3). Last evaluated 2024-05-24.

Allele frequency attached by ClinVar (database versions not stated): gnomAD exomes 0.00003 and 0.00006; gnomAD 0.00006 and 0.00007; ExAC 0.00007; TOPMed 0.00007.
gnomAD v4.1: 48 of 1,612,372 alleles (0.003%); highest among the groups gnomAD compares: Middle Eastern, 0.016%; no homozygotes.

Submissions (3):

Blueprint Genetics
Classification: Uncertain significance. Last evaluated: 2024-05-24. Review status: criteria provided, single submitter. Criteria: ACMG Guidelines, 2015. Collection method: clinical testing. Allele origin: germline.

Labcorp Genetics (formerly Invitae), Labcorp
Classification: Uncertain significance. Last evaluated: 2023-05-28. Review status: criteria provided, single submitter. Criteria: Invitae Variant Classification Sherloc (09022015). Collection method: clinical testing. Allele origin: germline.
Comment: In summary, the available evidence is currently insufficient to determine the role of this variant in disease. Therefore, it has been classified as a Variant of Uncertain Significance. Variants that disrupt the consensus splice site are a relatively common cause of aberrant splicing (PMID: 17576681, 9536098). Algorithms developed to predict the effect of sequence changes on RNA splicing suggest that this variant is not likely to affect RNA splicing. ClinVar contains an entry for this variant (Variation ID: 1303460). This variant has been observed in individual(s) with clinical features of Stickler syndrome (PMID: 33851411). This variant is present in population databases (rs771530834, gnomAD 0.01%). This sequence change affects codon 1758 of the COL11A1 mRNA. It is a 'silent' change, meaning that it does not change the encoded amino acid sequence of the COL11A1 protein. This variant also falls at the last nucleotide of exon 66, which is part of the consensus splice site for this exon.

GeneDx
Classification: Uncertain significance. Last evaluated: 2021-03-25. Review status: criteria provided, single submitter. Criteria: GeneDx Variant Classification Process June 2021. Collection method: clinical testing. Allele origin: germline. Affected: yes.
Comment: In-silico analysis, which includes splice predictors and evolutionary conservation, is inconclusive as to whether the variant alters gene splicing. In the absence of RNA/functional studies, the actual effect of this sequence change is unknown.; Has not been previously published as pathogenic or benign to our knowledge

Literature cited by the submitters: PubMed 17576681 (cited by Labcorp Genetics (formerly Invitae), Labcorp); PubMed 9536098 (cited by Labcorp Genetics (formerly Invitae), Labcorp); PubMed 33851411 (cited by Labcorp Genetics (formerly Invitae), Labcorp).

NM_001854.4(COL11A1):c.5274G>A (p.Ala1758=)

Genes: COL11A1 (collagen type XI alpha 1 chain; minus strand), LOC126805814 (P300/CBP strongly-dependent group 1 enhancer GRCh37_chr1:103344928-103346127; plus strand). Cytogenetic location: 1p21.1.
Variant type: single nucleotide variant.
Coding change: c.5274G>A on transcript NM_001854.4 (MANE Select); coding-DNA position 5274, G replaced by A.
Protein change: p.Ala1758=; no amino-acid change (alanine 1758 retained).
Molecular consequence: synonymous variant. On other transcripts: non-coding transcript variant (1).
Genome position (GRCh38, 1-based): chr1:102,879,683, C>T on the plus strand (G>A on the coding strand, the complement: COL11A1 is on the minus strand). VCF-style: chr1-102879683-C-T. GRCh37 (hg19) VCF-style: chr1-103345239-C-T.
Other names: c.5157G>A, p.Ala1719= (NM_001190709.2); c.5310G>A, p.Ala1770= (NM_080629.3); c.4926G>A, p.Ala1642= (NM_080630.4).
Identifiers: ClinVar variation 1303460 (VCV001303460.11), dbSNP rs771530834, ClinGen allele CA973278.